The following is an entry in ClinVar:

NC_000002.11:g.(?_26699834)_(26701396_?)del

Gene: OTOF (otoferlin; minus strand). Cytogenetic location: 2p23.3.
Variant type: Deletion.
Identifiers: ClinVar variation 3247617 (VCV003247617.1).

ClinVar aggregate classification (germline): Pathogenic (1 of 4 stars; one submission).

Submission:

Labcorp Genetics (formerly Invitae), Labcorp
Classification: Pathogenic. Last evaluated: 2023-07-20. Review status: criteria provided, single submitter. Criteria: Invitae Variant Classification Sherloc (09022015). Collection method: clinical testing. Allele origin: unknown.
Comment: For these reasons, this variant has been classified as Pathogenic. This variant disrupts a region of the OTOF protein in which other variant(s) (p.Glu841Lys) have been determined to be pathogenic (PMID: 26632695, 30482216). This suggests that this is a clinically significant region of the protein, and that variants that disrupt it are likely to be disease-causing. This variant has not been reported in the literature in individuals affected with OTOF-related conditions. This variant results in the deletion of exons 19-21 and part of exon 22 (c.2214+736_2601del) of the OTOF gene. It is expected to disrupt RNA splicing. Variants that disrupt the donor or acceptor splice site typically lead to a loss of protein function (PMID: 16199547), and loss-of-function variants in OTOF are known to be pathogenic (PMID: 18381613, 19250381, 22575033).

Literature cited by the submitters: PubMed 26632695; PubMed 30482216; PubMed 16199547; PubMed 18381613; PubMed 19250381; PubMed 22575033.